The following is an entry in ClinVar:

ClinVar aggregate classification (germline): Pathogenic (1 of 4 stars; one submission).

Conditions:
Primary ciliary dyskinesia 19. Also called: CILIARY DYSKINESIA, PRIMARY, 19, WITH OR WITHOUT SITUS INVERSUS. Identifiers: Orphanet 244, MedGen C3543826, MONDO:0013979, OMIM 614935.

Submission:

3billion
Classification: Pathogenic for Primary ciliary dyskinesia 19. Last evaluated: 2022-03-22. Review status: criteria provided, single submitter. Criteria: ACMG Guidelines, 2015. Collection method: clinical testing. Allele origin: germline. Affected: yes. Observed: 1 homozygote.
Comment: Frameshift: predicted to result in a loss or disruption of normal protein function through nonsense-mediated decay (NMD) or protein truncation. Multiple pathogenic variants are reported downstream of the variant.It is not observed in the gnomAD v2.1.1 dataset. The homozygous variant is shared with similarly affected sibiling. Therefore, this variant is classified as pathogenic according to the recommendation of ACMG/AMP guideline.

NM_012472.6(DNAAF11):c.1142del (p.Val381fs)

Gene: DNAAF11 (dynein axonemal assembly factor 11; minus strand). Cytogenetic location: 8q24.22.
Variant type: Deletion.
Coding change: c.1142del on transcript NM_012472.6 (MANE Select); coding-DNA position 1142, one base deleted (T; older notation c.1142delT).
Protein change: p.Val381fs; shifts the reading frame from valine 381.
Molecular consequence: frameshift variant. On other transcripts: non-coding transcript variant (10).
Genome position (GRCh38, 1-based): chr8:132,583,778, A deleted on the plus strand (T on the coding strand, the reverse complement: DNAAF11 is on the minus strand). VCF-style (leftmost placement, unchanged base first): chr8-132583777-TA-T. GRCh37 (hg19) VCF-style: chr8-133596024-TA-T.
Other names: c.1082del, p.Val361fs (NM_001321961.2); c.896del, p.Val299fs (NM_001321962.2); c.782del, p.Val261fs (NM_001321963.2, NM_001321964.2, NM_001321965.2); c.722del, p.Val241fs (NM_001321966.2); short protein forms V241fs, V261fs, V299fs, V361fs, V381fs.
Identifiers: ClinVar variation 1526036 (VCV001526036.1), dbSNP rs2131015097, ClinGen allele CA2573142865.